The following is an entry in ClinVar:

NM_001378615.1(CC2D2A):c.2842C>T (p.Arg948Trp)

Genes: CC2D2A (coiled-coil and C2 domain containing 2A; plus strand), FBXL5 (F-box and leucine rich repeat protein 5; minus strand). Cytogenetic location: 4p15.32.
Variant type: single nucleotide variant.
Coding change: c.2842C>T on transcript NM_001378615.1 (MANE Select); coding-DNA position 2842, C replaced by T.
Protein change: p.Arg948Trp; replaces arginine 948 with tryptophan.
Molecular consequence: missense variant.
Genome position (GRCh38, 1-based): chr4:15,559,177, C>T. VCF-style: chr4-15559177-C-T. GRCh37 (hg19) VCF-style: chr4-15560800-C-T.
Other names: c.2842C>T, p.Arg948Trp (NM_001080522.2); c.2695C>T, p.Arg899Trp (NM_001378617.1); short protein forms R899W, R948W.
Identifiers: ClinVar variation 1398625 (VCV001398625.8), dbSNP rs563295435, ClinGen allele CA2864021.

ClinVar aggregate classification (germline): Uncertain significance. Review status: criteria provided, multiple submitters, no conflicts (2 of 4 stars). 4 submissions from 4 submitters: Uncertain significance (4). Last evaluated 2024-03-25.

Conditions:
COACH syndrome 2. Identifiers: MedGen C5436837, MONDO:0030859, OMIM 619111.
Meckel syndrome, type 6. Identifiers: Orphanet 564, MedGen C2676790, MONDO:0012848, OMIM 612284.
Retinitis pigmentosa 93. Identifiers: MedGen C5676970, MONDO:0030797, OMIM 619845.
Joubert syndrome 9 (JBTS9). Identifiers: Orphanet 2318, MedGen C2676788, MONDO:0012849, OMIM 612285.
Joubert syndrome. Also called: JOUBERT-BOLTSHAUSER SYNDROME; Familial aplasia of the vermis. Identifiers: Orphanet 475, MedGen C5979921, MONDO:0018772.
Meckel-Gruber syndrome. Also called: DYSENCEPHALIA SPLANCHNOCYSTICA; GRUBER SYNDROME; Dysencephalia splachnocystica. Identifiers: Orphanet 564, MedGen C0265215, MONDO:0018921.

Allele frequency attached by ClinVar (database versions not stated): gnomAD 0.00002 and 0.00003; gnomAD exomes 0.00003 and 0.00008; TOPMed 0.00004; ExAC 0.00013; 1000 Genomes Project 30x 0.00031; 1000 Genomes Project 0.00040.
gnomAD v4.1: 55 of 1,545,238 alleles (0.0036%); highest among the groups gnomAD compares: Middle Eastern, 0.033%; 1 homozygote.

Submissions (4):

Fulgent Genetics
Classification: Uncertain significance for Meckel syndrome, type 6; Joubert syndrome 9; COACH syndrome 2; Retinitis pigmentosa 93. Last evaluated: 2024-03-25. Review status: criteria provided, single submitter. Criteria: ACMG Guidelines, 2015. Collection method: clinical testing. Allele origin: germline.

Blueprint Genetics
Classification: Uncertain significance. Last evaluated: 2023-09-26. Review status: criteria provided, single submitter. Criteria: ACMG Guidelines, 2015. Collection method: clinical testing. Allele origin: germline.

Labcorp Genetics (formerly Invitae), Labcorp
Classification: Uncertain significance for Joubert syndrome; Meckel-Gruber syndrome. Last evaluated: 2022-06-20. Review status: criteria provided, single submitter. Criteria: Invitae Variant Classification Sherloc (09022015). Collection method: clinical testing. Allele origin: germline.
Comment: This sequence change replaces arginine, which is basic and polar, with tryptophan, which is neutral and slightly polar, at codon 948 of the CC2D2A protein (p.Arg948Trp). This variant is present in population databases (rs563295435, gnomAD 0.03%). This variant has not been reported in the literature in individuals affected with CC2D2A-related conditions. Advanced modeling of protein sequence and biophysical properties (such as structural, functional, and spatial information, amino acid conservation, physicochemical variation, residue mobility, and thermodynamic stability) performed at Invitae indicates that this missense variant is expected to disrupt CC2D2A protein function. In summary, the available evidence is currently insufficient to determine the role of this variant in disease. Therefore, it has been classified as a Variant of Uncertain Significance.

Breakthrough Genomics
Classification: Uncertain significance. Review status: criteria provided, single submitter. Criteria: ACMG Guidelines, 2015. Collection method: not provided. Allele origin: germline. Inheritance: Autosomal recessive inheritance. Affected: yes.